The following is an entry in ClinVar:

NC_000005.9:g.(?_60628100)_(60628795_?)del

Gene: ZSWIM6 (zinc finger SWIM-type containing 6; plus strand). Cytogenetic location: 5q12.1.
Variant type: Deletion.
Identifiers: ClinVar variation 2426629 (VCV002426629.4).

ClinVar aggregate classification (germline): Uncertain significance (1 of 4 stars; one submission).

Submission:

Labcorp Genetics (formerly Invitae), Labcorp
Classification: Uncertain significance. Last evaluated: 2023-08-04. Review status: criteria provided, single submitter. Criteria: Invitae Variant Classification Sherloc (09022015). Collection method: clinical testing. Allele origin: germline.
Comment: This variant is a gross deletion of the genomic region encompassing exon(s) 1 of the ZSWIM6 gene, which includes the initiator codon. This deletion extends beyond the assayed region for this gene and therefore may encompass additional genes. It is expected to result in an absent or disrupted protein product. However, the current clinical and genetic evidence is not sufficient to establish whether loss-of-function variants in ZSWIM6 cause disease. This variant has not been reported in the literature in individuals affected with ZSWIM6-related conditions. Experimental studies and prediction algorithms are not available or were not evaluated, and the functional significance of this variant is currently unknown. In summary, the available evidence is currently insufficient to determine the role of this variant in disease. Therefore, it has been classified as a Variant of Uncertain Significance.